The following is an entry in ClinVar:

NM_033305.3(VPS13A):c.789_790insTCATGGGGGTTGAT (p.Met264fs)

Gene: VPS13A (vacuolar protein sorting 13 homolog A; plus strand). Cytogenetic location: 9q21.2.
Variant type: Insertion.
Coding change: c.789_790insTCATGGGGGTTGAT on transcript NM_033305.3 (MANE Select); coding-DNA positions 789 to 790, TCATGGGGGTTGAT inserted.
Protein change: p.Met264fs; shifts the reading frame from methionine 264.
Molecular consequence: frameshift variant.
Genome position: GRCh38 VCF-style: chr9-77219988-G-GTCATGGGGGTTGAT. GRCh37 (hg19) VCF-style: chr9-79834904-G-GTCATGGGGGTTGAT.
Other names: c.789_790insTCATGGGGGTTGAT, p.Met264fs (NM_001018037.2, NM_001018038.3, NM_015186.4); short protein forms M264fs.
Identifiers: ClinVar variation 5010665 (VCV005010665.1).

ClinVar aggregate classification (germline): Pathogenic (1 of 4 stars; one submission).

Conditions:
VPS13A-related neurodegenerative disease. Also called: ACANTHOCYTOSIS WITH NEUROLOGIC DISORDER; LEVINE-CRITCHLEY SYNDROME; Choreoacanthocytosis; Chorea-acanthocytosis; Choreaacanthocytosis; VPS13A Disease. Identifiers: Orphanet 2388, MedGen C0393576, MONDO:0008695, OMIM 200150.

Submission:

Myriad Genetics, Inc.
Classification: Pathogenic for VPS13A-related neurodegenerative disease. Last evaluated: 2024-05-14. Review status: criteria provided, single submitter. Criteria: Myriad Autosomal Dominant, Autosomal Recessive and X-Linked Classification Criteria (2023). Collection method: clinical testing. Allele origin: unknown.
Comment: NM_033305.2(VPS13A):c.789_790ins14(M264Sfs*6) is expected to be pathogenic in the context of VPS13A disease. This variant is predicted to lead to an abnormal or absent protein product due to the creation of a premature termination codon in VPS13A, a gene where loss-of-function variants are known to be pathogenic. Please note: this variant was assessed in the context of healthy population screening.